The following is an entry in ClinVar:

ClinVar aggregate classification (germline): Likely benign. Review status: criteria provided, multiple submitters, no conflicts (2 of 4 stars). 2 submissions from 2 submitters: Likely benign (2). Last evaluated 2025-10-01.

Conditions:
Intellectual disability, autosomal recessive 53 (NEDHSCA). Also called: GLYCOSYLPHOSPHATIDYLINOSITOL BIOSYNTHESIS DEFECT 13; NEURODEVELOPMENTAL DISORDER WITH OR WITHOUT HYPOTONIA, SEIZURES, AND CEREBELLAR ATROPHY; Mental retardation, autosomal recessive 53. Identifiers: Orphanet 488635, MedGen C4310794, MONDO:0014832, OMIM 616917.

Allele frequency attached by ClinVar (database versions not stated): gnomAD exomes below 0.00001 and 0.00003; ExAC 0.00001; gnomAD 0.00001; TOPMed 0.00003.
gnomAD v4.1: 38 of 1,614,100 alleles (0.0024%); highest among the groups gnomAD compares: Middle Eastern, 0.066%; no homozygotes.

Submissions (2):

Labcorp Genetics (formerly Invitae), Labcorp
Classification: Likely benign for Intellectual disability, autosomal recessive 53. Last evaluated: 2025-10-01. Review status: criteria provided, single submitter. Criteria: Invitae Variant Classification Sherloc (09022015). Collection method: clinical testing. Allele origin: germline.

GeneDx
Classification: Likely benign. Last evaluated: 2022-02-14. Review status: criteria provided, single submitter. Criteria: GeneDx Variant Classification Process June 2021. Collection method: clinical testing. Allele origin: germline. Affected: yes.
Comment: Not observed at significant frequency in large population cohorts (gnomAD); In silico analysis supports that this variant does not alter splicing; Nucleotide substitution has no predicted effect on splicing and is not conserved across species; Has not been previously published as pathogenic or benign to our knowledge

NM_001127178.3(PIGG):c.2607C>T (p.Ser869=)

Gene: PIGG (phosphatidylinositol glycan anchor biosynthesis class G (EMM blood group); plus strand). Cytogenetic location: 4p16.3.
Variant type: single nucleotide variant.
Coding change: c.2607C>T on transcript NM_001127178.3 (MANE Select); coding-DNA position 2607, C replaced by T.
Protein change: p.Ser869=; no amino-acid change (serine 869 retained).
Molecular consequence: synonymous variant. On other transcripts: non-coding transcript variant (10).
Genome position (GRCh38, 1-based): chr4:533,853, C>T. VCF-style: chr4-533853-C-T. GRCh37 (hg19) VCF-style: chr4-527642-C-T.
Other names: c.2340C>T, p.Ser780= (NM_001289051.2, NM_001345986.2); c.2208C>T, p.Ser736= (NM_001289052.2); c.2316C>T, p.Ser772= (NM_001345987.2); c.1578C>T, p.Ser526= (NM_001345988.2); c.1074C>T, p.Ser358= (NM_001345990.2, NM_001345991.2); c.1509C>T, p.Ser503= (NM_001345994.2); c.2583C>T, p.Ser861= (NM_017733.5).
Identifiers: ClinVar variation 760810 (VCV000760810.11), dbSNP rs753141401, ClinGen allele CA2793693.